The following is an entry in ClinVar:

ClinVar aggregate classification (germline): Uncertain significance (1 of 4 stars; one submission).

Conditions:
POLD1-related polyposis and colorectal cancer syndrome (CRCS10). Also called: Colorectal cancer 10; COLORECTAL CANCER, SUSCEPTIBILITY TO, ON CHROMOSOME 19q; Colorectal cancer, susceptibility to, 10. Identifiers: Orphanet 220460, MedGen C2675481, MONDO:0012953, OMIM 612591.

Submission:

Labcorp Genetics (formerly Invitae), Labcorp
Classification: Uncertain significance for POLD1-related polyposis and colorectal cancer syndrome. Last evaluated: 2021-03-15. Review status: criteria provided, single submitter. Criteria: Invitae Variant Classification Sherloc (09022015). Collection method: clinical testing. Allele origin: germline.
Comment: In summary, the available evidence is currently insufficient to determine the role of this variant in disease. Therefore, it has been classified as a Variant of Uncertain Significance. Nucleotide substitutions within the consensus splice site are a relatively common cause of aberrant splicing (PMID: 17576681, 9536098). Algorithms developed to predict the effect of sequence changes on RNA splicing suggest that this variant may disrupt the consensus splice site, but this prediction has not been confirmed by published transcriptional studies. This variant has not been reported in the literature in individuals with POLD1-related conditions. This variant is not present in population databases (ExAC no frequency). This sequence change falls in intron 5 of the POLD1 gene. It does not directly change the encoded amino acid sequence of the POLD1 protein. It affects a nucleotide within the consensus splice site of the intron.

Literature cited by the submitters: PubMed 17576681; PubMed 9536098.

NM_002691.4(POLD1):c.589+3G>C

Gene: POLD1 (DNA polymerase delta 1, catalytic subunit; plus strand). Cytogenetic location: 19q13.33.
Variant type: single nucleotide variant.
Coding change: c.589+3G>C on transcript NM_002691.4 (MANE Select); 3 bases into the intron after coding-DNA position 589, G replaced by C.
Molecular consequence: intron variant.
Genome position (GRCh38, 1-based): chr19:50,402,127, G>C. VCF-style: chr19-50402127-G-C. GRCh37 (hg19) VCF-style: chr19-50905384-G-C.
Other names: c.589+3G>C (NM_001256849.1, NM_001308632.1).
Identifiers: ClinVar variation 1516926 (VCV001516926.6), dbSNP rs2122240947, ClinGen allele CA406973529.